The following is an entry in ClinVar:

ClinVar aggregate classification (germline): Uncertain significance (1 of 4 stars; one submission).

Conditions:
Jeune thoracic dystrophy. Also called: Jeune syndrome; Infantile thoracic dystrophy; Thoracic pelvic phalangeal dystrophy; Jeune's syndrome; Chondroectodermal dysplasia-like syndrome; Short-rib thoracic dysplasia. Identifiers: Orphanet 474, MedGen C0265275, MONDO:0018770.

Allele frequency attached by ClinVar (database versions not stated): gnomAD exomes below 0.00001.
gnomAD v4.1: 1 of 1,610,984 alleles (0.000062%); highest among the groups gnomAD compares: Non-Finnish European, 0.000085%; no homozygotes.

Submission:

Labcorp Genetics (formerly Invitae), Labcorp
Classification: Uncertain significance for Jeune thoracic dystrophy. Last evaluated: 2022-03-10. Review status: criteria provided, single submitter. Criteria: Invitae Variant Classification Sherloc (09022015). Collection method: clinical testing. Allele origin: germline.
Comment: This sequence change replaces lysine, which is basic and polar, with arginine, which is basic and polar, at codon 372 of the IFT80 protein (p.Lys372Arg). This variant is not present in population databases (gnomAD no frequency). This variant has not been reported in the literature in individuals affected with IFT80-related conditions. Algorithms developed to predict the effect of missense changes on protein structure and function (SIFT, PolyPhen-2, Align-GVGD) all suggest that this variant is likely to be tolerated. Algorithms developed to predict the effect of sequence changes on RNA splicing suggest that this variant may create or strengthen a splice site. In summary, the available evidence is currently insufficient to determine the role of this variant in disease. Therefore, it has been classified as a Variant of Uncertain Significance.

NM_020800.3(IFT80):c.1115A>G (p.Lys372Arg)

Genes: IFT80 (intraflagellar transport 80; minus strand), TRIM59-IFT80 (TRIM59-IFT80 readthrough (NMD candidate); minus strand). Cytogenetic location: 3q25.33.
Variant type: single nucleotide variant.
Coding change: c.1115A>G on transcript NM_020800.3 (MANE Select); coding-DNA position 1115, A replaced by G.
Protein change: p.Lys372Arg; replaces lysine 372 with arginine.
Molecular consequence: missense variant. On other transcripts: non-coding transcript variant (3).
Genome position (GRCh38, 1-based): chr3:160,303,951, T>C on the plus strand (A>G on the coding strand, the complement: IFT80 is on the minus strand). VCF-style: chr3-160303951-T-C. GRCh37 (hg19) VCF-style: chr3-160021739-T-C.
Other names: c.704A>G, p.Lys235Arg (NM_001190241.2, NM_001190242.2); short protein forms K372R, K235R.
Identifiers: ClinVar variation 1485711 (VCV001485711.6), dbSNP rs2108271596, ClinGen allele CA355193928.